The following is an entry in ClinVar:

ClinVar aggregate classification (germline): Uncertain significance (1 of 4 stars; one submission).

Conditions:
Primary ciliary dyskinesia. Also called: Ciliary dyskinesia. Identifiers: Orphanet 244, MedGen C0008780, MONDO:0016575, HP:0012265.

Allele frequency attached by ClinVar (database versions not stated): gnomAD exomes below 0.00001; TOPMed 0.00001.
gnomAD v4.1: 3 of 1,211,410 alleles (0.00025%); highest among the groups gnomAD compares: Admixed American, 0.0043%; no homozygotes.

Submission:

Labcorp Genetics (formerly Invitae), Labcorp
Classification: Uncertain significance for Primary ciliary dyskinesia. Last evaluated: 2025-12-30. Review status: criteria provided, single submitter. Criteria: Invitae Variant Classification Sherloc (09022015). Collection method: clinical testing. Allele origin: germline.
Comment: This sequence change replaces arginine, which is basic and polar, with glutamine, which is neutral and polar, at codon 412 of the RPGR protein (p.Arg412Gln). This variant is not present in population databases (gnomAD no frequency). This variant has not been reported in the literature in individuals affected with RPGR-related conditions. ClinVar contains an entry for this variant (Variation ID: 2022524). Invitae Evidence Modeling of protein sequence and biophysical properties (such as structural, functional, and spatial information, amino acid conservation, physicochemical variation, residue mobility, and thermodynamic stability) has been performed for this missense variant. However, the output from this modeling did not meet the statistical confidence thresholds required to predict the impact of this variant on RPGR protein function. In summary, the available evidence is currently insufficient to determine the role of this variant in disease. Therefore, it has been classified as a Variant of Uncertain Significance.

NM_001034853.2(RPGR):c.1235G>A (p.Arg412Gln)

Gene: RPGR (retinitis pigmentosa GTPase regulator; minus strand). Cytogenetic location: Xp11.4.
Variant type: single nucleotide variant.
Coding change: c.1235G>A on transcript NM_001034853.2 (MANE Select); coding-DNA position 1235, G replaced by A.
Protein change: p.Arg412Gln; replaces arginine 412 with glutamine.
Molecular consequence: missense variant. On other transcripts: non-coding transcript variant (6), intron variant (2).
Genome position (GRCh38, 1-based): chrX:38,298,966, C>T on the plus strand (G>A on the coding strand, the complement: RPGR is on the minus strand). VCF-style: chrX-38298966-C-T. GRCh37 (hg19) VCF-style: chrX-38158219-C-T.
Other names: c.1235G>A, p.Arg412Gln (NM_000328.3, NM_001367247.1); c.1232G>A, p.Arg411Gln (NM_001367245.1, NM_001367249.1, NM_001367250.1); c.1265G>A, p.Arg422Gln (NM_001367248.1); c.1060-1514G>A (NM_001367251.1, NM_001367246.1); short protein forms R411Q, R412Q, R422Q.
Identifiers: ClinVar variation 2022524 (VCV002022524.4), dbSNP rs1044939968, ClinGen allele CA327924860.